The following is an entry in ClinVar:

NM_018489.3(ASH1L):c.1880_1881dup (p.Gly628fs)

Gene: ASH1L (ASH1 like histone lysine methyltransferase; minus strand). Cytogenetic location: 1q22.
Variant type: Duplication.
Coding change: c.1880_1881dup on transcript NM_018489.3 (MANE Select); coding-DNA positions 1880 to 1881, 2 bases duplicated (AA; older notation c.1880_1881dupAA).
Protein change: p.Gly628fs; shifts the reading frame from glycine 628.
Molecular consequence: frameshift variant.
Genome position (GRCh38, 1-based): chr1:155,480,989-155,480,990, TT duplicated on the plus strand (AA on the coding strand, the reverse complement: ASH1L is on the minus strand); duplicating any 2 consecutive bases within chr1:155,480,989-155,480,991 gives the same sequence; the c. name uses the placement nearest the transcript's 3' end. VCF-style (leftmost placement, unchanged base first): chr1-155480988-C-CTT. GRCh37 (hg19) VCF-style: chr1-155450779-C-CTT.
Other names: c.1880_1881dup, p.Gly628fs (NM_001366177.2); short protein forms G628fs.
Identifiers: ClinVar variation 817705 (VCV000817705.1), dbSNP rs1570941501, ClinGen allele CA915941453.

ClinVar aggregate classification (germline): Pathogenic (1 of 4 stars; one submission).

Submission:

GeneDx
Classification: Pathogenic. Last evaluated: 2019-08-25. Review status: criteria provided, single submitter. Criteria: GeneDx Variant Classification (06012015). Collection method: clinical testing. Allele origin: germline. Affected: yes.
Comment: The c.1880_1881dupAA variant in the ASH1L gene has not been reported previously as a pathogenic variant nor as a benign variant, to our knowledge. The c.1880_1881dupAA variant causes a frameshift starting with codon Glycine 628, changes this amino acid to a Lysine residue, and creates a premature Stop codon at position 7 of the new reading frame, denoted p.Gly628LysfsX7. This variant is predicted to cause loss of normal protein function either through protein truncation or nonsense-mediated mRNA decay. The c.1880_1881dupAA variant is not observed in large population cohorts (Lek et al., 2016).